The following is an entry in ClinVar:

NM_005726.6(TSFM):c.27_28del (p.Phe10fs)

Gene: TSFM (Ts translation elongation factor, mitochondrial; plus strand). Cytogenetic location: 12q14.1.
Variant type: Microsatellite.
Coding change: c.27_28del on transcript NM_005726.6 (MANE Select); coding-DNA positions 27 to 28, 2 bases deleted (GT; older notation c.27_28delGT).
Protein change: p.Phe10fs; shifts the reading frame from phenylalanine 10.
Molecular consequence: frameshift variant.
Genome position (GRCh38, 1-based): chr12:57,782,828-57,782,829, GT deleted; deleting any 2 consecutive bases within chr12:57,782,826-57,782,829 gives the same sequence; the c. name uses the placement nearest the transcript's 3' end. VCF-style (leftmost placement, unchanged base first): chr12-57782825-CGT-C. GRCh37 (hg19) VCF-style: chr12-58176608-CGT-C.
Other names: c.27_28del, p.Phe10fs (NM_001172695.2, NM_001172696.2, NM_001172697.2); short protein forms F10fs.
Identifiers: ClinVar variation 1451766 (VCV001451766.8), dbSNP rs2140412540, ClinGen allele CA2580616811.

ClinVar aggregate classification (germline): Pathogenic/Likely pathogenic. Review status: criteria provided, multiple submitters, no conflicts (2 of 4 stars). 4 submissions from 4 submitters: Pathogenic (1); Likely pathogenic (3). Last evaluated 2025-04-06.

Conditions:
Fatal mitochondrial disease due to combined oxidative phosphorylation defect type 3. Also called: Combined oxidative phosphorylation deficiency 3; ENCEPHALOMYOPATHY, RESPIRATORY FAILURE, AND LACTIC ACIDOSIS. Identifiers: Orphanet 168566, MedGen C1864840, MONDO:0012512, OMIM 610505.

Submissions (4):

Variantyx, Inc.
Classification: Likely pathogenic for Fatal mitochondrial disease due to combined oxidative phosphorylation defect type 3. Last evaluated: 2025-04-06. Review status: criteria provided, single submitter. Criteria: Variantyx Assertion Criteria 2022. Collection method: clinical testing. Allele origin: germline. Inheritance: Autosomal recessive inheritance. Affected: no.
Comment: This is a frameshift variant in the TSFM gene (OMIM: 604723). Pathogenic variants in this gene have been associated with autosomal recessive combined oxidative phosphorylation deficiency 3. This variant introduces a premature termination codon in exon 1 out of 6 and is expected to result in loss of function, which is a known disease mechanism for TSFM in this disorder (PMID: 33340416, 17033963, 25037205, 33816677) (PVS1). This variant is absent from control populations (PM2). Based on the current evidence, this variant is classified as likely pathogenic for autosomal recessive combined oxidative phosphorylation deficiency 3.

Fulgent Genetics
Classification: Likely pathogenic for Fatal mitochondrial disease due to combined oxidative phosphorylation defect type 3. Last evaluated: 2024-05-21. Review status: criteria provided, single submitter. Criteria: ACMG Guidelines, 2015. Collection method: clinical testing. Allele origin: germline.

Baylor Genetics
Classification: Likely pathogenic for Fatal mitochondrial disease due to combined oxidative phosphorylation defect type 3. Last evaluated: 2023-03-28. Review status: criteria provided, single submitter. Criteria: ACMG Guidelines, 2015. Collection method: clinical testing. Allele origin: unknown.

Labcorp Genetics (formerly Invitae), Labcorp
Classification: Pathogenic. Last evaluated: 2022-09-14. Review status: criteria provided, single submitter. Criteria: Invitae Variant Classification Sherloc (09022015). Collection method: clinical testing. Allele origin: germline.
Comment: This sequence change creates a premature translational stop signal (p.Phe10Serfs*114) in the TSFM gene. It is expected to result in an absent or disrupted protein product. Loss-of-function variants in TSFM are known to be pathogenic (PMID: 17033963, 20435138, 25037205, 27677415). This variant is not present in population databases (gnomAD no frequency). This variant has not been reported in the literature in individuals affected with TSFM-related conditions. For these reasons, this variant has been classified as Pathogenic.

Literature cited by the submitters: PubMed 33340416 (cited by Variantyx, Inc.); PubMed 17033963 (cited by Variantyx, Inc. and Labcorp Genetics (formerly Invitae), Labcorp); PubMed 25037205 (cited by Variantyx, Inc. and Labcorp Genetics (formerly Invitae), Labcorp); PubMed 33816677 (cited by Variantyx, Inc.); PubMed 20435138 (cited by Labcorp Genetics (formerly Invitae), Labcorp); PubMed 27677415 (cited by Labcorp Genetics (formerly Invitae), Labcorp).